The following is an entry in ClinVar:

NM_000540.3(RYR1):c.9555-7C>G

Gene: RYR1 (ryanodine receptor 1; plus strand). Cytogenetic location: 19q13.2.
Variant type: single nucleotide variant.
Coding change: c.9555-7C>G on transcript NM_000540.3 (MANE Select); 7 bases into the intron before coding-DNA position 9555, C replaced by G.
Molecular consequence: intron variant.
Genome position (GRCh38, 1-based): chr19:38,516,080, C>G. VCF-style: chr19-38516080-C-G. GRCh37 (hg19) VCF-style: chr19-39006720-C-G.
Other names: c.9555-7C>G (NM_001042723.2).
Identifiers: ClinVar variation 418463 (VCV000418463.40), dbSNP rs376790946, ClinGen allele CA073805.

ClinVar aggregate classification (germline): Conflicting classifications of pathogenicity. Review status: criteria provided, conflicting classifications (1 of 4 stars). 6 submissions from 6 submitters: Uncertain significance (1); Likely benign (5). Last evaluated 2026-08-01.

Conditions:
RYR1-related disorder. Also called: RYR1-related disorders; RYR1-related condition. Identifiers: MedGen CN239331.
Malignant hyperthermia, susceptibility to, 1 (MHS1). Also called: RYR1-Related Malignant Hyperthermia Susceptibility; Malignant hyperthermia suceptibility 1; Anesthesia related hyperthermia; Malignant hyperpyrexia; Fulminating hyperpyrexia; Pharmacogenic myopathy. Identifiers: Orphanet 423, MedGen C2930980, MONDO:0007783, OMIM 145600.

Allele frequency attached by ClinVar (database versions not stated): ExAC 0.00012; ESP Exome Variant Server 0.00017; gnomAD exomes 0.00022 and 0.00040; 1000 Genomes Project 0.00040; 1000 Genomes Project 30x 0.00047; gnomAD 0.00060 and 0.00061; TOPMed 0.00061.
gnomAD v4.1: 390 of 1,547,552 alleles (0.025%); highest among the groups gnomAD compares: Admixed American, 0.24%; 2 homozygotes.

Submissions (6):

CeGaT Center for Human Genetics Tuebingen
Classification: Likely benign. Last evaluated: 2026-08-01. Review status: criteria provided, single submitter. Criteria: CeGaT Center For Human Genetics Tuebingen Variant Classification Criteria Version 2. Collection method: clinical testing. Allele origin: germline. Affected: yes. Observed: 4 variant alleles.
Comment: RYR1: BP4

Labcorp Genetics (formerly Invitae), Labcorp
Classification: Likely benign for RYR1-related disorder. Last evaluated: 2026-01-25. Review status: criteria provided, single submitter. Criteria: Invitae Variant Classification Sherloc (09022015). Collection method: clinical testing. Allele origin: germline.

Women's Health and Genetics/Laboratory Corporation of America, LabCorp
Classification: Likely benign. Last evaluated: 2025-05-27. Review status: criteria provided, single submitter. Criteria: LabCorp Variant Classification Summary - May 2015. Collection method: clinical testing. Allele origin: germline.

Color Diagnostics, LLC DBA Color Health
Classification: Likely benign for Malignant hyperthermia, susceptibility to, 1. Last evaluated: 2022-11-06. Review status: criteria provided, single submitter. Criteria: ACMG Guidelines, 2015. Collection method: clinical testing. Allele origin: germline.

GeneDx
Classification: Uncertain significance. Last evaluated: 2021-07-12. Review status: criteria provided, single submitter. Criteria: GeneDx Variant Classification Process June 2021. Collection method: clinical testing. Allele origin: germline. Affected: yes.
Comment: Has not been previously published as pathogenic or benign to our knowledge; In-silico analysis, which includes splice predictors and evolutionary conservation, is inconclusive as to whether the variant alters gene splicing. In the absence of RNA/functional studies, the actual effect of this sequence change is unknown.

PreventionGenetics, part of Exact Sciences
Classification: Likely benign. Last evaluated: 2017-01-23. Review status: criteria provided, single submitter. Criteria: ACMG Guidelines, 2015. Collection method: clinical testing. Allele origin: germline.